The following is an entry in ClinVar:

ClinVar aggregate classification (germline): Uncertain significance (1 of 4 stars; one submission).

Conditions:
Early-infantile DEE. Also called: Ohtahara syndrome; Early infantile epileptic encephalopathy with suppression bursts; Early infantile epileptic encephalopathy. Identifiers: Orphanet 1934, MedGen C0393706, MONDO:0800491.

Allele frequency attached by ClinVar (database versions not stated): gnomAD 0.00001; ExAC 0.00003.
gnomAD v4.1: 5 of 1,604,424 alleles (0.00031%); highest among the groups gnomAD compares: South Asian, 0.0011%; no homozygotes.

Submission:

Labcorp Genetics (formerly Invitae), Labcorp
Classification: Uncertain significance for Early-infantile DEE. Last evaluated: 2022-07-12. Review status: criteria provided, single submitter. Criteria: Invitae Variant Classification Sherloc (09022015). Collection method: clinical testing. Allele origin: germline.
Comment: This sequence change replaces glycine, which is neutral and non-polar, with arginine, which is basic and polar, at codon 850 of the KCNQ2 protein (p.Gly850Arg). In summary, the available evidence is currently insufficient to determine the role of this variant in disease. Therefore, it has been classified as a Variant of Uncertain Significance. Algorithms developed to predict the effect of sequence changes on RNA splicing suggest that this variant may create or strengthen a splice site. Algorithms developed to predict the effect of missense changes on protein structure and function are either unavailable or do not agree on the potential impact of this missense change (SIFT: "Tolerated"; PolyPhen-2: "Probably Damaging"; Align-GVGD: "Class C0"). ClinVar contains an entry for this variant (Variation ID: 855255). This variant has not been reported in the literature in individuals affected with KCNQ2-related conditions. The frequency data for this variant in the population databases is considered unreliable, as metrics indicate poor data quality at this position in the gnomAD database.

NM_172107.4(KCNQ2):c.2548G>A (p.Gly850Arg)

Gene: KCNQ2 (potassium voltage-gated channel subfamily Q member 2; minus strand). Cytogenetic location: 20q13.33.
Variant type: single nucleotide variant.
Coding change: c.2548G>A on transcript NM_172107.4 (MANE Select); coding-DNA position 2548, G replaced by A.
Protein change: p.Gly850Arg; replaces glycine 850 with arginine.
Molecular consequence: missense variant.
Genome position (GRCh38, 1-based): chr20:63,406,715, C>T on the plus strand (G>A on the coding strand, the complement: KCNQ2 is on the minus strand). VCF-style: chr20-63406715-C-T. GRCh37 (hg19) VCF-style: chr20-62038068-C-T.
Other names: c.2464G>A, p.Gly822Arg (NM_004518.6); c.2494G>A, p.Gly832Arg (NM_172106.3); c.2455G>A, p.Gly819Arg (NM_172108.5); short protein forms G822R, G832R, G850R, G819R.
Identifiers: ClinVar variation 855255 (VCV000855255.8), dbSNP rs779986547, ClinGen allele CA9958059.
Genomic context (GRCh38, chr20:63,406,715, plus strand): 5'-GCCCGGCCCAGCCCACGTCACCAAAGGGACCCTCGCCGGTGGCCGAGCGTGGCGGGGGCC[C>T]GCACGGGGTACAGAGGTCGGAGTCGGTGTCTGACTCTCCCTCCGCAATGTAGGGCCTGAC-3'
Protein context (NP_742105.1, residues 840-860): DTDSDLCTPC[Gly850Arg]PPPRSATGEG